The following is an entry in ClinVar:

ClinVar aggregate classification (germline): Likely benign. Review status: reviewed by expert panel (3 of 4 stars). 22 submissions from 20 submitters: Likely benign (1). 21 of the submissions do not count toward it. Last evaluated 2017-06-29.

Conditions:
BRCA2-related disorder. Also called: BRCA2-related condition; BRCA2-related disorders. Identifiers: MedGen CN239275.
Familial cancer of breast. Also called: Hereditary breast cancer; hereditary breast carcinoma; BREAST CANCER, FAMILIAL. Identifiers: Orphanet 227535, MedGen C0346153, MONDO:0016419, OMIM 114480. Disease mechanism: loss of function.
Breast-ovarian cancer, familial, susceptibility to, 2 (BROVCA2). Also called: BRCA2 Hereditary Breast and Ovarian Cancer. Identifiers: Orphanet 145, MedGen C2675520, MONDO:0012933, OMIM 612555. Disease mechanism: loss of function.
Hereditary cancer-predisposing syndrome. Also called: Tumor predisposition; Hereditary neoplastic syndrome; Hereditary Cancer Syndrome; Neoplastic Syndromes, Hereditary. Identifiers: Orphanet 140162, MedGen C0027672, MeSH D009386, MONDO:0015356.
Hereditary breast ovarian cancer syndrome. Also called: Hereditary breast and ovarian cancer; Hereditary breast and/or ovarian cancer syndrome; BRCA1- and BRCA2-Associated Hereditary Breast and Ovarian Cancer; Hereditary breast and ovarian cancer syndrome (HBOC); Hereditary breast and ovarian cancer syndrome; Breast and ovarian cancer. Identifiers: Orphanet 145, MedGen C0677776, MeSH D061325, MONDO:0003582. Disease mechanism: loss of function.
Fanconi anemia complementation group D1. Also called: BRCA2-Related Fanconi Anemia. Identifiers: Orphanet 319462, MedGen C1838457, MONDO:0011584, OMIM 605724.

Allele frequency attached by ClinVar (database versions not stated): ExAC 0.00004; TOPMed 0.00004; gnomAD 0.00005; gnomAD exomes 0.00005 and 0.00007.
gnomAD v4.1: 88 of 1,611,942 alleles (0.0055%); highest among the groups gnomAD compares: Non-Finnish European, 0.00076%; no homozygotes.

Submissions (22):

Evidence-based Network for the Interpretation of Germline Mutant Alleles (ENIGMA)
Classification: Likely benign for Breast-ovarian cancer, familial, susceptibility to, 2. Last evaluated: 2017-06-29. Review status: reviewed by expert panel. Criteria: ENIGMA BRCA1/2 Classification Criteria (2017-06-29). Collection method: curation. Allele origin: germline.
Comment: Synonymous substitution variant, with low bioinformatic likelihood to result in a splicing aberration (Splicing prior probability 0.02).

Labcorp Genetics (formerly Invitae), Labcorp
Classification: Benign for Hereditary breast ovarian cancer syndrome. Last evaluated: 2026-01-21. Review status: criteria provided, single submitter. Criteria: Invitae Variant Classification Sherloc (09022015). Collection method: clinical testing. Allele origin: germline. Not counted in ClinVar's aggregate classification.

ARUP Laboratories, Molecular Genetics and Genomics, ARUP Laboratories
Classification: Likely benign. Last evaluated: 2025-06-19. Review status: criteria provided, single submitter. Criteria: ARUP Molecular Germline Variant Investigation Process 2024. Collection method: clinical testing. Allele origin: germline. Not counted in ClinVar's aggregate classification.

PreventionGenetics, part of Exact Sciences
Classification: Likely benign for BRCA2-related condition. Last evaluated: 2025-01-13. Review status: criteria provided, single submitter. Criteria: ACMG Guidelines, 2015. Collection method: clinical testing. Allele origin: germline. Not counted in ClinVar's aggregate classification.
Comment: This variant is classified as likely benign based on ACMG/AMP sequence variant interpretation guidelines (Richards et al. 2015 PMID: 25741868, with internal and published modifications).

Molecular Diagnostics Laboratory, Catalan Institute of Oncology
Classification: Likely benign for Hereditary cancer-predisposing syndrome. Last evaluated: 2024-11-05. Review status: criteria provided, single submitter. Criteria: ClinGen BRCA1BRCA2 ACMG Specifications BRCA2 V1.0.0. Collection method: clinical testing. Allele origin: germline. Not counted in ClinVar's aggregate classification.
Comment: BP1_Strong c.5268A>G, located in exon 11 of the BRCA2 gene, outside a (potentially) clinically important functional domain, is predicted to result in no amino acid change, p.(Val1756=), and the SpliceAI algorithm predicts no significant impact on splicing (BP1_Strong). This variant is found in 17/267275 alleles at a frequency of 0.006% in the gnomAD v2.1.1 database, non-cancer dataset. To our knowledge, neither relevant clinical data nor well-established functional studies have been reported for this variant. This variant has been reported in the ClinVar database (4x benign, 8x likely benign, 3x uncertain significance), in the LOVD database (4x likely benign, 1 uncertain significance) and in BRCA Exchange database (likely benign). Based on currently available information, the variant c.5268A>G should be considered a likely benign variant, according to ClinGen ENIGMA BRCA1 and BRCA2 Expert Panel Specifications to the ACMG/AMP Variant Interpretation Guidelines for BRCA2 Version 1.0.0.

Blueprint Genetics
Classification: Likely benign. Last evaluated: 2024-09-06. Review status: criteria provided, single submitter. Criteria: ACMG Guidelines, 2015. Collection method: clinical testing. Allele origin: germline. Not counted in ClinVar's aggregate classification.

Department of Pathology and Laboratory Medicine, Sinai Health System
Classification: Benign for Familial cancer of breast; Breast-ovarian cancer, familial, susceptibility to, 2. Last evaluated: 2024-05-31. Review status: criteria provided, single submitter. Criteria: ACMG Guidelines, 2015. Collection method: clinical testing. Allele origin: germline. Affected: yes. Not counted in ClinVar's aggregate classification.

CeGaT Center for Human Genetics Tuebingen
Classification: Likely benign. Last evaluated: 2024-05-01. Review status: criteria provided, single submitter. Criteria: CeGaT Center For Human Genetics Tuebingen Variant Classification Criteria Version 2. Collection method: clinical testing. Allele origin: germline. Affected: yes. Observed: 3 variant alleles. Not counted in ClinVar's aggregate classification.
Comment: BRCA2: BP4, BP7

Quest Diagnostics Nichols Institute San Juan Capistrano
Classification: Benign. Last evaluated: 2023-07-31. Review status: criteria provided, single submitter. Criteria: Quest Diagnostics criteria. Collection method: clinical testing. Allele origin: unknown. Not counted in ClinVar's aggregate classification.

Sema4
Classification: Likely benign for Hereditary cancer-predisposing syndrome. Last evaluated: 2021-01-01. Review status: criteria provided, single submitter. Criteria: Sema4 Curation Guidelines. Collection method: curation. Allele origin: germline. Not counted in ClinVar's aggregate classification.

Women's Health and Genetics/Laboratory Corporation of America, LabCorp
Classification: Likely benign. Last evaluated: 2019-01-21. Review status: criteria provided, single submitter. Criteria: LabCorp Variant Classification Summary - May 2015. Collection method: clinical testing. Allele origin: germline. Not counted in ClinVar's aggregate classification.
Comment: Variant summary: BRCA2 c.5268A>G alters a non-conserved nucleotide resulting in a synonymous change. 5/5 computational tools predict no significant impact on normal splicing. However, these predictions have yet to be confirmed by functional studies. The variant allele was found at a frequency of 7.2e-05 in 250366 control chromosomes (gnomAD). This frequency is not higher than expected for a pathogenic variant in BRCA2 causing Hereditary Breast and Ovarian Cancer (7.2e-05 vs 0.00075), allowing no conclusion about variant significance. In addition, the variant was reported in 4/7325 European American women (i.e. with a frequency of 0.000546), who were older than 70 years of age, and never had cancer (in the FLOSSIES database). c.5268A>G has been reported in the literature in a validation study, although with limited information (i.e. lack of co-occurrence and cosegregation data); thus this report does not provide unequivocal conclusions about association of the variant with Hereditary Breast and Ovarian Cancer. Co-occurrences with another pathogenic variant have been reported (BRCA2 c.5946delT/p.Ser1982fsX22 in our internal database), providing supporting evidence for a benign role. To our knowledge, no experimental evidence demonstrating an impact on protein function has been reported. Six other clinical diagnostic laboratories have submitted clinical-significance assessments for this variant to ClinVar after 2014 without evidence for independent evaluation (3 classifying it as Benign, 2 as Likely Benign, and 1 as a VUS). Based on the evidence outlined above, the variant was classified as likely benign.

Baylor Genetics
Classification: Uncertain significance for Breast-ovarian cancer, familial, susceptibility to, 2. Last evaluated: 2018-03-22. Review status: criteria provided, single submitter. Criteria: ACMG Guidelines, 2015. Collection method: clinical testing. Allele origin: paternal. Affected: yes. Not counted in ClinVar's aggregate classification.
Comment: This variant was determined to be of uncertain significance according to ACMG Guidelines, 2015 [PMID:25741868].

Illumina Laboratory Services, Illumina
Classification: Uncertain significance for Breast-ovarian cancer, familial, susceptibility to, 2. Last evaluated: 2018-01-13. Review status: criteria provided, single submitter. Criteria: ICSL Variant Classification Criteria 13 December 2019. Collection method: clinical testing. Allele origin: germline. Not counted in ClinVar's aggregate classification.

Illumina Laboratory Services, Illumina
Classification: Uncertain significance for Fanconi anemia complementation group D1. Last evaluated: 2018-01-13. Review status: criteria provided, single submitter. Criteria: ICSL Variant Classification Criteria 13 December 2019. Collection method: clinical testing. Allele origin: germline. Not counted in ClinVar's aggregate classification.

Baylor Genetics
Classification: Benign for Familial cancer of breast. Last evaluated: 2017-02-23. Review status: criteria provided, single submitter. Criteria: ACMG Guidelines, 2015. Collection method: clinical testing. Allele origin: germline. Inheritance: Autosomal dominant inheritance. Affected: no. Not counted in ClinVar's aggregate classification.

Color Diagnostics, LLC DBA Color Health
Classification: Likely benign for Hereditary cancer-predisposing syndrome. Last evaluated: 2015-06-08. Review status: criteria provided, single submitter. Criteria: ACMG Guidelines, 2015. Collection method: clinical testing. Allele origin: germline. Not counted in ClinVar's aggregate classification.

GeneDx
Classification: Benign. Last evaluated: 2015-03-03. Review status: criteria provided, single submitter. Criteria: GeneDx Variant Classification Process June 2021. Collection method: clinical testing. Allele origin: germline. Affected: yes. Not counted in ClinVar's aggregate classification.

Ambry Genetics
Classification: Likely benign for Hereditary cancer-predisposing syndrome. Last evaluated: 2014-10-10. Review status: criteria provided, single submitter. Criteria: Ambry Variant Classification Scheme 2023. Collection method: clinical testing. Allele origin: germline. Not counted in ClinVar's aggregate classification.

True Health Diagnostics
Classification: Likely benign for Hereditary cancer-predisposing syndrome. Last evaluated: 2018-09-06. Review status: no assertion criteria provided. Collection method: clinical testing. Allele origin: germline. Not counted in ClinVar's aggregate classification.

Clinical Genetics Laboratory, Department of Pathology, Netherlands Cancer Institute
Classification: Likely benign. Review status: no assertion criteria provided. Collection method: clinical testing. Allele origin: germline. Affected: yes. Study: VKGL Data-share Consensus. Not counted in ClinVar's aggregate classification.

Genome Diagnostics Laboratory, University Medical Center Utrecht
Classification: Likely benign. Review status: no assertion criteria provided. Collection method: clinical testing. Allele origin: germline. Affected: yes. Study: VKGL Data-share Consensus. Not counted in ClinVar's aggregate classification.

Joint Genome Diagnostic Labs from Nijmegen and Maastricht, Radboudumc and MUMC+
Classification: Likely benign. Review status: no assertion criteria provided. Collection method: clinical testing. Allele origin: germline. Affected: yes. Study: VKGL Data-share Consensus. Not counted in ClinVar's aggregate classification.

Literature cited by the submitters: PubMed 21120943 (cited by 3 submitters); PubMed 32486089 (cited by Quest Diagnostics Nichols Institute San Juan Capistrano).

NM_000059.4(BRCA2):c.5268A>G (p.Val1756=)

Gene: BRCA2 (BRCA2 DNA repair associated; plus strand). Cytogenetic location: 13q13.1.
Variant type: single nucleotide variant.
Coding change: c.5268A>G on transcript NM_000059.4 (MANE Select); coding-DNA position 5268, A replaced by G.
Protein change: p.Val1756=; no amino-acid change (valine 1756 retained).
Molecular consequence: synonymous variant.
Genome position (GRCh38, 1-based): chr13:32,339,623, A>G. VCF-style: chr13-32339623-A-G. GRCh37 (hg19) VCF-style: chr13-32913760-A-G.
Identifiers: ClinVar variation 135803 (VCV000135803.65), dbSNP rs199879914, ClinGen allele CA021893.